The following is an entry in ClinVar:

ClinVar aggregate classification (germline): Uncertain significance (1 of 4 stars; one submission).

Allele frequency attached by ClinVar (database versions not stated): gnomAD exomes below 0.00001; TOPMed below 0.00001; ExAC 0.00001; gnomAD 0.00001.
gnomAD v4.1: 4 of 1,613,850 alleles (0.00025%); highest among the groups gnomAD compares: Non-Finnish European, 0.00034%; no homozygotes.

Submission:

Labcorp Genetics (formerly Invitae), Labcorp
Classification: Uncertain significance. Last evaluated: 2021-08-27. Review status: criteria provided, single submitter. Criteria: Invitae Variant Classification Sherloc (09022015). Collection method: clinical testing. Allele origin: germline.
Comment: This sequence change replaces alanine with proline at codon 112 of the PHYH protein (p.Ala112Pro). The alanine residue is weakly conserved and there is a small physicochemical difference between alanine and proline. This variant is present in population databases (rs775912561, ExAC 0.001%). This variant has not been reported in the literature in individuals affected with PHYH-related conditions. Algorithms developed to predict the effect of missense changes on protein structure and function (SIFT, PolyPhen-2, Align-GVGD) all suggest that this variant is likely to be tolerated. In summary, the available evidence is currently insufficient to determine the role of this variant in disease. Therefore, it has been classified as a Variant of Uncertain Significance.

NM_006214.4(PHYH):c.334G>C (p.Ala112Pro)

Gene: PHYH (phytanoyl-CoA 2-hydroxylase; minus strand). Cytogenetic location: 10p13.
Variant type: single nucleotide variant.
Coding change: c.334G>C on transcript NM_006214.4 (MANE Select); coding-DNA position 334, G replaced by C.
Protein change: p.Ala112Pro; replaces alanine 112 with proline.
Molecular consequence: missense variant.
Genome position (GRCh38, 1-based): chr10:13,294,508, C>G on the plus strand (G>C on the coding strand, the complement: PHYH is on the minus strand). VCF-style: chr10-13294508-C-G. GRCh37 (hg19) VCF-style: chr10-13336508-C-G.
Other names: c.34G>C, p.Ala12Pro (NM_001037537.2, NM_001323080.2, NM_001323084.2); c.334G>C, p.Ala112Pro (NM_001323082.2, NM_001323083.2); short protein forms A12P, A112P.
Identifiers: ClinVar variation 950124 (VCV000950124.7), dbSNP rs775912561, ClinGen allele CA5412412.